The following is an entry in ClinVar:

NM_001040108.2(MLH3):c.2911G>C (p.Val971Leu)

Gene: MLH3 (mutL homolog 3; minus strand). Cytogenetic location: 14q24.3.
Variant type: single nucleotide variant.
Coding change: c.2911G>C on transcript NM_001040108.2 (MANE Select); coding-DNA position 2911, G replaced by C.
Protein change: p.Val971Leu; replaces valine 971 with leucine.
Molecular consequence: missense variant.
Genome position (GRCh38, 1-based): chr14:75,046,745, C>G on the plus strand (G>C on the coding strand, the complement: MLH3 is on the minus strand). VCF-style: chr14-75046745-C-G. GRCh37 (hg19) VCF-style: chr14-75513448-C-G.
Other names: c.2911G>C, p.Val971Leu (NM_014381.3); short protein forms V971L.
Identifiers: ClinVar variation 951826 (VCV000951826.9), dbSNP rs41555714, ClinGen allele CA390437583.

ClinVar aggregate classification (germline): Uncertain significance (1 of 4 stars; one submission).

Conditions:
Colorectal cancer, hereditary nonpolyposis, type 7. Identifiers: Orphanet 144, MedGen C1858380, MONDO:0013725, OMIM 614385.

gnomAD v4.1: 1 of 1,614,144 alleles (0.000062%); highest among the groups gnomAD compares: Admixed American, 0.0017%; no homozygotes.

Submission:

Labcorp Genetics (formerly Invitae), Labcorp
Classification: Uncertain significance for Colorectal cancer, hereditary nonpolyposis, type 7. Last evaluated: 2022-04-19. Review status: criteria provided, single submitter. Criteria: Invitae Variant Classification Sherloc (09022015). Collection method: clinical testing. Allele origin: germline.
Comment: This variant is present in population databases (no rsID available, gnomAD 0.003%). This sequence change replaces valine, which is neutral and non-polar, with leucine, which is neutral and non-polar, at codon 971 of the MLH3 protein (p.Val971Leu). This variant has not been reported in the literature in individuals affected with MLH3-related conditions. In summary, the available evidence is currently insufficient to determine the role of this variant in disease. Therefore, it has been classified as a Variant of Uncertain Significance. Algorithms developed to predict the effect of missense changes on protein structure and function output the following: SIFT: "Tolerated"; PolyPhen-2: "Benign"; Align-GVGD: "Class C0". The leucine amino acid residue is found in multiple mammalian species, which suggests that this missense change does not adversely affect protein function. ClinVar contains an entry for this variant (Variation ID: 951826).